The following is an entry in ClinVar:

ClinVar aggregate classification (germline): Uncertain significance (1 of 4 stars; one submission).

Conditions:
Perlman syndrome (PRLMNS). Identifiers: Orphanet 2849, MedGen C0796113, MONDO:0009965, OMIM 267000.

Submission:

Labcorp Genetics (formerly Invitae), Labcorp
Classification: Uncertain significance for Perlman syndrome. Last evaluated: 2019-07-22. Review status: criteria provided, single submitter. Criteria: Invitae Variant Classification Sherloc (09022015). Collection method: clinical testing. Allele origin: germline.
Comment: In summary, the available evidence is currently insufficient to determine the role of this variant in disease. Therefore, it has been classified as a Variant of Uncertain Significance. Experimental studies and prediction algorithms are not available or were not evaluated for this variant, and the functional significance of the affected amino acid(s) is currently unknown. This variant has not been reported in the literature in individuals with DIS3L2-related conditions. This variant results in a copy number gain of the genomic region encompassing exons 2-14 of the DIS3L2 gene, which includes the initiator codon. The 5' end of this event is unknown as it extends beyond the assayed region for this gene and therefore may encompass additional genes. The 3' boundary is likely confined to intron 14 of the DIS3L2 gene. As the precise location of this event is unknown, it may be in tandem or it may be located elsewhere in the genome.

NC_000002.12:g.(?_232014928)_(232300129_?)dup

Gene: DIS3L2 (DIS3 like 3'-5' exoribonuclease 2; plus strand). Cytogenetic location: 2q37.1.
Variant type: Duplication.
Identifiers: ClinVar variation 830814 (VCV000830814.3).